The following is an entry in ClinVar:

NM_001711.6(BGN):c.574G>A (p.Gly192Arg)

Gene: BGN (biglycan; plus strand). Cytogenetic location: Xq28.
Variant type: single nucleotide variant.
Coding change: c.574G>A on transcript NM_001711.6 (MANE Select); coding-DNA position 574, G replaced by A.
Protein change: p.Gly192Arg; replaces glycine 192 with arginine.
Molecular consequence: missense variant.
Genome position (GRCh38, 1-based): chrX:153,506,537, G>A. VCF-style: chrX-153506537-G-A. GRCh37 (hg19) VCF-style: chrX-152771995-G-A.
Other names: c.574G>A (NM_001711.4); short protein forms G192R.
Identifiers: ClinVar variation 2956198 (VCV002956198.4), dbSNP rs782602954, ClinGen allele CA10547279.

ClinVar aggregate classification (germline): Uncertain significance. Review status: criteria provided, multiple submitters, no conflicts (2 of 4 stars). 2 submissions from 2 submitters: Uncertain significance (2). Last evaluated 2026-06-15.

Conditions:
Cardiovascular phenotype. Identifiers: MedGen CN230736.

Allele frequency attached by ClinVar (database versions not stated): TOPMed below 0.00001; ExAC 0.00001; gnomAD exomes below 0.00001.

Submissions (2):

Ambry Genetics
Classification: Uncertain significance for Cardiovascular phenotype. Last evaluated: 2026-06-15. Review status: criteria provided, single submitter. Criteria: Ambry Variant Classification Scheme 2023. Collection method: clinical testing. Allele origin: germline.
Comment: The p.G192R variant (also known as c.574G>A), located in coding exon 4 of the BGN gene, results from a G to A substitution at nucleotide position 574. The glycine at codon 192 is replaced by arginine, an amino acid with dissimilar properties. This amino acid position is conserved. In addition, the in silico prediction for this alteration is inconclusive. Based on data from gnomAD, the A allele has an overall frequency of 0.0006% (1/181769) total alleles studied, with 0 hemizygote(s) observed. The highest observed frequency was 0.0012% (1/81038) of European (non-Finnish) alleles. Based on the available evidence, the clinical significance of this variant remains unclear.

Labcorp Genetics (formerly Invitae), Labcorp
Classification: Uncertain significance. Last evaluated: 2024-04-29. Review status: criteria provided, single submitter. Criteria: Invitae Variant Classification Sherloc (09022015). Collection method: clinical testing. Allele origin: germline.
Comment: This sequence change replaces glycine, which is neutral and non-polar, with arginine, which is basic and polar, at codon 192 of the BGN protein (p.Gly192Arg). The frequency data for this variant in the population databases is considered unreliable, as metrics indicate poor data quality at this position in the gnomAD database. This variant has not been reported in the literature in individuals affected with BGN-related conditions. Advanced modeling of protein sequence and biophysical properties (such as structural, functional, and spatial information, amino acid conservation, physicochemical variation, residue mobility, and thermodynamic stability) performed at Invitae indicates that this missense variant is not expected to disrupt BGN protein function with a negative predictive value of 80%. In summary, the available evidence is currently insufficient to determine the role of this variant in disease. Therefore, it has been classified as a Variant of Uncertain Significance.